The following is an entry in ClinVar:

NM_005120.3(MED12):c.701A>T (p.Asp234Val)

Gene: MED12 (mediator complex subunit 12; plus strand). Cytogenetic location: Xq13.1.
Variant type: single nucleotide variant.
Coding change: c.701A>T on transcript NM_005120.3 (MANE Select); coding-DNA position 701, A replaced by T.
Protein change: p.Asp234Val; replaces aspartic acid 234 with valine.
Molecular consequence: missense variant.
Genome position (GRCh38, 1-based): chrX:71,121,118, A>T. VCF-style: chrX-71121118-A-T. GRCh37 (hg19) VCF-style: chrX-70340968-A-T.
Other names: short protein forms D234V.
Identifiers: ClinVar variation 519911 (VCV000519911.5), dbSNP rs927746681, ClinGen allele CA330975453.

ClinVar aggregate classification (germline): Conflicting classifications of pathogenicity. Review status: criteria provided, conflicting classifications (1 of 4 stars). 2 submissions from 2 submitters: Uncertain significance (1); Likely benign (1). Last evaluated 2025-10-26.

Conditions:
FG syndrome (FGS). Identifiers: MedGen C0220769, MONDO:0002010.
Cardiovascular phenotype. Identifiers: MedGen CN230736.

Allele frequency attached by ClinVar (database versions not stated): gnomAD exomes below 0.00001; gnomAD 0.00001.

Submissions (2):

Labcorp Genetics (formerly Invitae), Labcorp
Classification: Likely benign for FG syndrome. Last evaluated: 2025-10-26. Review status: criteria provided, single submitter. Criteria: Invitae Variant Classification Sherloc (09022015). Collection method: clinical testing. Allele origin: germline.

Ambry Genetics
Classification: Uncertain significance for Cardiovascular phenotype. Last evaluated: 2017-03-23. Review status: criteria provided, single submitter. Criteria: Ambry Autosomal Dominant and X-Linked criteria (3/2017). Collection method: clinical testing. Allele origin: germline. Observed: 1 variant allele.
Comment: There is insufficient or conflicting evidence for classification of this alteration.